The following is an entry in ClinVar:

NM_002691.4(POLD1):c.521G>T (p.Arg174Leu)

Gene: POLD1 (DNA polymerase delta 1, catalytic subunit; plus strand). Cytogenetic location: 19q13.33.
Variant type: single nucleotide variant.
Coding change: c.521G>T on transcript NM_002691.4 (MANE Select); coding-DNA position 521, G replaced by T.
Protein change: p.Arg174Leu; replaces arginine 174 with leucine.
Molecular consequence: missense variant. On other transcripts: non-coding transcript variant (1).
Genome position (GRCh38, 1-based): chr19:50,402,056, G>T. VCF-style: chr19-50402056-G-T. GRCh37 (hg19) VCF-style: chr19-50905313-G-T.
Other names: c.521G>T, p.Arg174Leu (NM_001256849.1, NM_001308632.1); short protein forms R174L.
Identifiers: ClinVar variation 1023748 (VCV001023748.8), dbSNP rs141976385, ClinGen allele CA406973146.

ClinVar aggregate classification (germline): Uncertain significance (1 of 4 stars; one submission).

Conditions:
POLD1-related polyposis and colorectal cancer syndrome (CRCS10). Also called: Colorectal cancer 10; COLORECTAL CANCER, SUSCEPTIBILITY TO, ON CHROMOSOME 19q; Colorectal cancer, susceptibility to, 10. Identifiers: Orphanet 220460, MedGen C2675481, MONDO:0012953, OMIM 612591.

gnomAD v4.1: 1 of 1,614,112 alleles (0.000062%); highest among the groups gnomAD compares: Non-Finnish European, 0.000085%; no homozygotes.

Submission:

Labcorp Genetics (formerly Invitae), Labcorp
Classification: Uncertain significance for POLD1-related polyposis and colorectal cancer syndrome. Last evaluated: 2023-09-30. Review status: criteria provided, single submitter. Criteria: Invitae Variant Classification Sherloc (09022015). Collection method: clinical testing. Allele origin: germline.
Comment: In summary, the available evidence is currently insufficient to determine the role of this variant in disease. Therefore, it has been classified as a Variant of Uncertain Significance. Advanced modeling of protein sequence and biophysical properties (such as structural, functional, and spatial information, amino acid conservation, physicochemical variation, residue mobility, and thermodynamic stability) performed at Invitae indicates that this missense variant is not expected to disrupt POLD1 protein function. ClinVar contains an entry for this variant (Variation ID: 1023748). This variant has not been reported in the literature in individuals affected with POLD1-related conditions. This variant is not present in population databases (gnomAD no frequency). This sequence change replaces arginine, which is basic and polar, with leucine, which is neutral and non-polar, at codon 174 of the POLD1 protein (p.Arg174Leu).